The following is an entry in ClinVar:

ClinVar aggregate classification (germline): Likely benign. Review status: criteria provided, multiple submitters, no conflicts (2 of 4 stars). 2 submissions from 2 submitters: Likely benign (2). Last evaluated 2023-09-21.

Conditions:
Deficiency of malonyl-CoA decarboxylase. Also called: Malonic aciduria; MCD deficiency. Identifiers: Orphanet 943, MedGen C0342793, MONDO:0009556, OMIM 248360.

Allele frequency attached by ClinVar (database versions not stated): gnomAD exomes 0.00002; TOPMed 0.00002; gnomAD 0.00004.
gnomAD v4.1: 20 of 1,148,968 alleles (0.0017%); highest among the groups gnomAD compares: Non-Finnish European, 0.0021%; no homozygotes.

Submissions (2):

Labcorp Genetics (formerly Invitae), Labcorp
Classification: Likely benign for Deficiency of malonyl-CoA decarboxylase. Last evaluated: 2023-09-21. Review status: criteria provided, single submitter. Criteria: Invitae Variant Classification Sherloc (09022015). Collection method: clinical testing. Allele origin: germline.

GeneDx
Classification: Likely benign. Last evaluated: 2016-02-11. Review status: criteria provided, single submitter. Criteria: GeneDx Variant Classification (06012015). Collection method: clinical testing. Allele origin: germline. Affected: yes.
Comment: This variant is considered likely benign or benign based on one or more of the following criteria: it is a conservative change, it occurs at a poorly conserved position in the protein, it is predicted to be benign by multiple in silico algorithms, and/or has population frequency not consistent with disease.

NM_012213.3(MLYCD):c.12C>T (p.Phe4=)

Genes: MLYCD (malonyl-CoA decarboxylase; plus strand), LOC130059554 (ATAC-STARR-seq lymphoblastoid silent region 7769; plus strand). Cytogenetic location: 16q23.3.
Variant type: single nucleotide variant.
Coding change: c.12C>T on transcript NM_012213.3 (MANE Select); coding-DNA position 12, C replaced by T.
Protein change: p.Phe4=; no amino-acid change (phenylalanine 4 retained).
Molecular consequence: synonymous variant.
Genome position (GRCh38, 1-based): chr16:83,899,156, C>T. VCF-style: chr16-83899156-C-T. GRCh37 (hg19) VCF-style: chr16-83932761-C-T.
Identifiers: ClinVar variation 382482 (VCV000382482.6), dbSNP rs1027854085, ClinGen allele CA16607437.